The following is an entry in ClinVar:

NM_003107.3(SOX4):c.1394C>G (p.Ser465Cys)

Gene: SOX4 (SRY-box transcription factor 4; plus strand). Cytogenetic location: 6p22.3.
Variant type: single nucleotide variant.
Coding change: c.1394C>G on transcript NM_003107.3 (MANE Select); coding-DNA position 1394, C replaced by G.
Protein change: p.Ser465Cys; replaces serine 465 with cysteine.
Molecular consequence: missense variant.
Genome position (GRCh38, 1-based): chr6:21,595,928, C>G. VCF-style: chr6-21595928-C-G. GRCh37 (hg19) VCF-style: chr6-21596159-C-G.
Other names: short protein forms S465C.
Identifiers: ClinVar variation 4082700 (VCV004082700.1).

ClinVar aggregate classification (germline): Uncertain significance (1 of 4 stars; one submission).

Submission:

GeneDx
Classification: Uncertain significance. Last evaluated: 2025-03-03. Review status: criteria provided, single submitter. Criteria: GeneDx Variant Classification Process June 2021. Collection method: clinical testing. Allele origin: germline. Affected: yes.
Comment: Not observed at significant frequency in large population cohorts (gnomAD); In silico analysis supports that this missense variant has a deleterious effect on protein structure/function; Has not been previously published as pathogenic or benign to our knowledge